The following is an entry in ClinVar:

ClinVar aggregate classification (germline): Likely benign. Review status: criteria provided, multiple submitters, no conflicts (2 of 4 stars). 2 submissions from 2 submitters: Likely benign (2). Last evaluated 2021-08-07.

Conditions:
Ehlers-Danlos syndrome, classic type, 1 (EDSCL1). Also called: EHLERS-DANLOS SYNDROME, GRAVIS TYPE; EHLERS-DANLOS SYNDROME, SEVERE CLASSIC TYPE; EDS I; Ehlers-Danlos Syndrome, Classic Type, COL5A1-Related; Ehlers-Danlos syndrome, type 1. Identifiers: MedGen C0268335, MONDO:0019567, OMIM 130000.
Osteogenesis imperfecta type I (OI1). Also called: OI, TYPE I; OSTEOGENESIS IMPERFECTA TARDA; OSTEOGENESIS IMPERFECTA WITH BLUE SCLERAE; Classic Non-deforming Osteogenesis Imperfecta with Blue Sclerae; Lobstein disease; Osteogenesis imperfecta type 1. Identifiers: Orphanet 216796, Orphanet 666, MedGen C0023931, MONDO:0008146, OMIM 166200. Disease mechanism: loss of function.

Allele frequency attached by ClinVar (database versions not stated): gnomAD below 0.00001 and 0.00001; gnomAD exomes 0.00001.
gnomAD v4.1: 5 of 1,613,604 alleles (0.00031%); highest among the groups gnomAD compares: Admixed American, 0.0033%; no homozygotes.

Submissions (2):

Labcorp Genetics (formerly Invitae), Labcorp
Classification: Likely benign for Osteogenesis imperfecta type I; Ehlers-Danlos syndrome, classic type, 1. Last evaluated: 2021-08-07. Review status: criteria provided, single submitter. Criteria: Invitae Variant Classification Sherloc (09022015). Collection method: clinical testing. Allele origin: germline.

GeneDx
Classification: Likely benign. Last evaluated: 2017-03-06. Review status: criteria provided, single submitter. Criteria: GeneDx Variant Classification (06012015). Collection method: clinical testing. Allele origin: germline. Affected: yes.
Comment: This variant is considered likely benign or benign based on one or more of the following criteria: it is a conservative change, it occurs at a poorly conserved position in the protein, it is predicted to be benign by multiple in silico algorithms, and/or has population frequency not consistent with disease.

NM_000089.4(COL1A2):c.433-16A>G

Gene: COL1A2 (collagen type I alpha 2 chain; plus strand). Cytogenetic location: 7q21.3.
Variant type: single nucleotide variant.
Coding change: c.433-16A>G on transcript NM_000089.4 (MANE Select); 16 bases into the intron before coding-DNA position 433, A replaced by G.
Molecular consequence: intron variant.
Genome position (GRCh38, 1-based): chr7:94,405,183, A>G. VCF-style: chr7-94405183-A-G. GRCh37 (hg19) VCF-style: chr7-94034495-A-G.
Identifiers: ClinVar variation 507754 (VCV000507754.9), dbSNP rs964597288, ClinGen allele CA576321581.
Genomic context (GRCh38, chr7:94,405,183, plus strand): 5'-GTAAAAACCAAGATTCCCCCATTTTGTCTGATAGTTTACCAAGAAGAAGTTGACTCTACA[A>G]TGTTTTCATGTTTAGGGTCACCCTGGAAAACCCGGACGACCTGGTGAGAGAGGAGTTGTT-3'